The following is an entry in ClinVar:

NM_002075.4(GNB3):c.899T>A (p.Met300Lys)

Genes: CDCA3 (cell division cycle associated 3; minus strand), GNB3 (G protein subunit beta 3; plus strand). Cytogenetic location: 12p13.31.
Variant type: single nucleotide variant.
Coding change: c.899T>A on transcript NM_002075.4 (MANE Select); coding-DNA position 899, T replaced by A.
Protein change: p.Met300Lys; replaces methionine 300 with lysine.
Molecular consequence: missense variant. On other transcripts: 3 prime UTR variant (1).
Genome position (GRCh38, 1-based): chr12:6,845,785, T>A. VCF-style: chr12-6845785-T-A. GRCh37 (hg19) VCF-style: chr12-6954949-T-A.
Other names: c.896T>A, p.Met299Lys (NM_001297571.2); c.*1003A>T (NM_001297603.3); short protein forms M299K, M300K.
Identifiers: ClinVar variation 2079888 (VCV002079888.4), dbSNP rs2542359198, ClinGen allele CA383675562.

ClinVar aggregate classification (germline): Uncertain significance (1 of 4 stars; one submission).

gnomAD v4.1: 1 of 1,613,744 alleles (0.000062%); highest among the groups gnomAD compares: Admixed American, 0.0017%; no homozygotes.

Submission:

Labcorp Genetics (formerly Invitae), Labcorp
Classification: Uncertain significance. Last evaluated: 2022-06-19. Review status: criteria provided, single submitter. Criteria: Invitae Variant Classification Sherloc (09022015). Collection method: clinical testing. Allele origin: germline.
Comment: This variant has not been reported in the literature in individuals affected with GNB3-related conditions. Algorithms developed to predict the effect of missense changes on protein structure and function are either unavailable or do not agree on the potential impact of this missense change (SIFT: "Deleterious"; PolyPhen-2: "Benign"; Align-GVGD: "Class C0"). In summary, the available evidence is currently insufficient to determine the role of this variant in disease. Therefore, it has been classified as a Variant of Uncertain Significance. This sequence change replaces methionine, which is neutral and non-polar, with lysine, which is basic and polar, at codon 300 of the GNB3 protein (p.Met300Lys). This variant is not present in population databases (gnomAD no frequency).